The following is an entry in ClinVar:

ClinVar aggregate classification (germline): Conflicting classifications of pathogenicity. Review status: criteria provided, conflicting classifications (1 of 4 stars). 2 submissions from 2 submitters: Uncertain significance (1); Likely benign (1). Last evaluated 2025-02-26.

Conditions:
Duchenne muscular dystrophy (DMD). Also called: MUSCULAR DYSTROPHY, PSEUDOHYPERTROPHIC PROGRESSIVE, DUCHENNE TYPE; Duchenne Muscular Dystrophy (DMD). Identifiers: Orphanet 98896, MedGen C0013264, MONDO:0010679, OMIM 310200.

Allele frequency attached by ClinVar (database versions not stated): gnomAD exomes below 0.00001.
gnomAD v4.1: 3 of 1,209,589 alleles (0.00025%); highest among the groups gnomAD compares: Non-Finnish European, 0.00034%; no homozygotes.

Submissions (2):

Labcorp Genetics (formerly Invitae), Labcorp
Classification: Likely benign for Duchenne muscular dystrophy. Last evaluated: 2025-02-26. Review status: criteria provided, single submitter. Criteria: Invitae Variant Classification Sherloc (09022015). Collection method: clinical testing. Allele origin: germline.

Athena Diagnostics
Classification: Uncertain significance. Last evaluated: 2023-01-09. Review status: criteria provided, single submitter. Criteria: Athena Diagnostics Criteria. Collection method: clinical testing. Allele origin: unknown.
Comment: Available data are insufficient to determine the clinical significance of the variant at this time. This variant has not been reported in large, multi-ethnic general populations. Computational tools yielded predictions that this variant is unlikely to have an effect on normal RNA splicing.

NM_004006.3(DMD):c.5679G>A (p.Leu1893=)

Gene: DMD (dystrophin; minus strand). Cytogenetic location: Xp21.1.
Variant type: single nucleotide variant.
Coding change: c.5679G>A on transcript NM_004006.3 (MANE Select); coding-DNA position 5679, G replaced by A.
Protein change: p.Leu1893=; no amino-acid change (leucine 1893 retained).
Molecular consequence: synonymous variant.
Genome position (GRCh38, 1-based): chrX:32,343,194, C>T on the plus strand (G>A on the coding strand, the complement: DMD is on the minus strand). VCF-style: chrX-32343194-C-T. GRCh37 (hg19) VCF-style: chrX-32361311-C-T.
Other names: c.5655G>A, p.Leu1885= (NM_000109.4); c.5667G>A, p.Leu1889= (NM_004009.3); c.5310G>A, p.Leu1770= (NM_004010.3); c.1656G>A, p.Leu552= (NM_004011.4); c.1647G>A, p.Leu549= (NM_004012.4).
Identifiers: ClinVar variation 2684173 (VCV002684173.2), dbSNP rs2521863075, ClinGen allele CA515713919.